The following is an entry in ClinVar:

ClinVar aggregate classification (germline): Uncertain significance (1 of 4 stars; one submission).

Conditions:
ANKRD1-related dilated cardiomyopathy. Identifiers: MedGen CN119551.

Submission:

Labcorp Genetics (formerly Invitae), Labcorp
Classification: Uncertain significance for ANKRD1-related dilated cardiomyopathy. Last evaluated: 2024-11-28. Review status: criteria provided, single submitter. Criteria: Invitae Variant Classification Sherloc (09022015). Collection method: clinical testing. Allele origin: germline.
Comment: This sequence change replaces leucine, which is neutral and non-polar, with proline, which is neutral and non-polar, at codon 219 of the ANKRD1 protein (p.Leu219Pro). This variant is not present in population databases (gnomAD no frequency). This variant has not been reported in the literature in individuals affected with ANKRD1-related conditions. ClinVar contains an entry for this variant (Variation ID: 2839371). Invitae Evidence Modeling of protein sequence and biophysical properties (such as structural, functional, and spatial information, amino acid conservation, physicochemical variation, residue mobility, and thermodynamic stability) indicates that this missense variant is not expected to disrupt ANKRD1 protein function with a negative predictive value of 80%. In summary, the available evidence is currently insufficient to determine the role of this variant in disease. Therefore, it has been classified as a Variant of Uncertain Significance.

NM_014391.3(ANKRD1):c.656T>C (p.Leu219Pro)

Gene: ANKRD1 (ankyrin repeat domain 1; minus strand). Cytogenetic location: 10q23.31.
Variant type: single nucleotide variant.
Coding change: c.656T>C on transcript NM_014391.3 (MANE Select); coding-DNA position 656, T replaced by C.
Protein change: p.Leu219Pro; replaces leucine 219 with proline.
Molecular consequence: missense variant.
Genome position (GRCh38, 1-based): chr10:90,915,876, A>G on the plus strand (T>C on the coding strand, the complement: ANKRD1 is on the minus strand). VCF-style: chr10-90915876-A-G. GRCh37 (hg19) VCF-style: chr10-92675633-A-G.
Other names: short protein forms L219P.
Identifiers: ClinVar variation 2839371 (VCV002839371.3), dbSNP rs796186723, ClinGen allele CA377550550.
Genomic context (GRCh38, chr10:90,915,876, plus strand): 5'-ATAAGATGCTCCGCGCACTCATAGTGGCCAGTCCTCACCGCCACATGCAGCGCTGTGCTG[A>G]GCAACTGGAAAATTGGAAAACGCTGCTGATTCGCTAGGAATGAGGACAGAGGCTGTCCCA-3'
Protein context (NP_055206.2, residues 209-229): GAKISARDKL[Leu219Pro]STALHVAVRT